The following is an entry in ClinVar:

ClinVar aggregate classification (germline): Pathogenic/Likely pathogenic. Review status: criteria provided, multiple submitters, no conflicts (2 of 4 stars). 2 submissions from 2 submitters: Pathogenic (1); Likely pathogenic (1). Last evaluated 2025-12-15.

Conditions:
Primary ciliary dyskinesia. Also called: Ciliary dyskinesia. Identifiers: Orphanet 244, MedGen C0008780, MONDO:0016575, HP:0012265.

Submissions (2):

Natera, Inc.
Classification: Likely pathogenic for Primary ciliary dyskinesia. Last evaluated: 2025-12-15. Review status: criteria provided, single submitter. Criteria: Natera Variant Classification Schema (03/2026). Collection method: clinical testing. Allele origin: germline.
Comment: The c.5162C>G variant in DNAH5 is a nonsense variant predicted to introduce a stop codon at amino acid 1721. This variant is expected to result in nonsense mediated decay, truncation, or a dysfunctional protein product. This variant is rare in the general population with a frequency below the threshold expected for the associated phenotype(s). Given the available evidence, this variant is classified as Likely Pathogenic.

Labcorp Genetics (formerly Invitae), Labcorp
Classification: Pathogenic for Primary ciliary dyskinesia. Last evaluated: 2018-12-11. Review status: criteria provided, single submitter. Criteria: Invitae Variant Classification Sherloc (09022015). Collection method: clinical testing. Allele origin: germline.
Comment: For these reasons, this variant has been classified as Pathogenic. This sequence change creates a premature translational stop signal (p.Ser1721*) in the DNAH5 gene. It is expected to result in an absent or disrupted protein product. This variant is not present in population databases (ExAC no frequency). This variant has not been reported in the literature in individuals with DNAH5-related conditions. Loss-of-function variants in DNAH5 are known to be pathogenic (PMID: 11788826, 16627867).

Literature cited by the submitters: PubMed 11788826 (cited by Labcorp Genetics (formerly Invitae), Labcorp); PubMed 16627867 (cited by Labcorp Genetics (formerly Invitae), Labcorp).

NM_001369.3(DNAH5):c.5162C>G (p.Ser1721Ter)

Gene: DNAH5 (dynein axonemal heavy chain 5; minus strand). Cytogenetic location: 5p15.2.
Variant type: single nucleotide variant.
Coding change: c.5162C>G on transcript NM_001369.3 (MANE Select); coding-DNA position 5162, C replaced by G.
Protein change: p.Ser1721Ter; replaces serine 1721 with a stop codon.
Molecular consequence: nonsense.
Genome position (GRCh38, 1-based): chr5:13,844,946, G>C on the plus strand (C>G on the coding strand, the complement: DNAH5 is on the minus strand). VCF-style: chr5-13844946-G-C. GRCh37 (hg19) VCF-style: chr5-13845055-G-C.
Other names: short protein forms S1721*.
Identifiers: ClinVar variation 653170 (VCV000653170.8), dbSNP rs1580543538, ClinGen allele CA359214286.